The following is an entry in ClinVar:

NM_199420.4(POLQ):c.537G>T (p.Arg179Ser)

Gene: POLQ (DNA polymerase theta; minus strand). Cytogenetic location: 3q13.33.
Variant type: single nucleotide variant.
Coding change: c.537G>T on transcript NM_199420.4 (MANE Select); coding-DNA position 537, G replaced by T.
Protein change: p.Arg179Ser; replaces arginine 179 with serine.
Molecular consequence: missense variant.
Genome position (GRCh38, 1-based): chr3:121,539,527, C>A on the plus strand (G>T on the coding strand, the complement: POLQ is on the minus strand). VCF-style: chr3-121539527-C-A. GRCh37 (hg19) VCF-style: chr3-121258374-C-A.
Other names: short protein forms R179S.
Identifiers: ClinVar variation 1747163 (VCV001747163.2), dbSNP rs558534411, ClinGen allele CA2563785.

ClinVar aggregate classification (germline): Uncertain significance (1 of 4 stars; one submission).

Allele frequency attached by ClinVar (database versions not stated): ExAC 0.00001; gnomAD 0.00001; 1000 Genomes Project 30x 0.00016; 1000 Genomes Project 0.00020.
gnomAD v4.1: 3 of 1,612,322 alleles (0.00019%); highest among the groups gnomAD compares: African/African-American, 0.004%; no homozygotes.

Submission:

Ambry Genetics
Classification: Uncertain significance. Last evaluated: 2022-10-20. Review status: criteria provided, single submitter. Criteria: Ambry Variant Classification Scheme 2023. Collection method: clinical testing. Allele origin: germline.
Comment: The p.R179S variant (also known as c.537G>T), located in coding exon 4 of the POLQ gene, results from a G to T substitution at nucleotide position 537. The arginine at codon 179 is replaced by serine, an amino acid with dissimilar properties. This amino acid position is conserved. In addition, this alteration is predicted to be tolerated by in silico analysis. Since supporting evidence is limited at this time, the clinical significance of this alteration remains unclear.